The following is an entry in ClinVar:

NM_001277115.2(DNAH11):c.11741T>A (p.Leu3914Ter)

Gene: DNAH11 (dynein axonemal heavy chain 11; plus strand). Cytogenetic location: 7p15.3.
Variant type: single nucleotide variant.
Coding change: c.11741T>A on transcript NM_001277115.2 (MANE Select); coding-DNA position 11741, T replaced by A.
Protein change: p.Leu3914Ter; replaces leucine 3914 with a stop codon.
Molecular consequence: nonsense.
Genome position (GRCh38, 1-based): chr7:21,867,909, T>A. VCF-style: chr7-21867909-T-A. GRCh37 (hg19) VCF-style: chr7-21907527-T-A.
Other names: short protein forms L3914*.
Identifiers: ClinVar variation 3671798 (VCV003671798.2).

ClinVar aggregate classification (germline): Pathogenic (1 of 4 stars; one submission).

Conditions:
Primary ciliary dyskinesia. Also called: Ciliary dyskinesia. Identifiers: Orphanet 244, MedGen C0008780, MONDO:0016575, HP:0012265.

Submission:

Labcorp Genetics (formerly Invitae), Labcorp
Classification: Pathogenic for Primary ciliary dyskinesia. Last evaluated: 2024-05-26. Review status: criteria provided, single submitter. Criteria: Invitae Variant Classification Sherloc (09022015). Collection method: clinical testing. Allele origin: germline.
Comment: This sequence change creates a premature translational stop signal (p.Leu3914*) in the DNAH11 gene. It is expected to result in an absent or disrupted protein product. Loss-of-function variants in DNAH11 are known to be pathogenic (PMID: 18022865, 20513915, 22184204). This variant is not present in population databases (gnomAD no frequency). This variant has not been reported in the literature in individuals affected with DNAH11-related conditions. For these reasons, this variant has been classified as Pathogenic.

Literature cited by the submitters: PubMed 18022865; PubMed 20513915; PubMed 22184204.